The following is an entry in ClinVar:

NM_001845.6(COL4A1):c.903+3_903+6del

Gene: COL4A1 (collagen type IV alpha 1 chain; minus strand). Cytogenetic location: 13q34.
Variant type: Deletion.
Coding change: c.903+3_903+6del on transcript NM_001845.6 (MANE Select); bases 3 to 6 of the intron after coding-DNA position 903, 4 bases deleted (AAGT; older notation c.903+3_903+6delAAGT).
Molecular consequence: splice donor variant.
Genome position (GRCh38, 1-based): chr13:110,205,488-110,205,491, ACTT deleted on the plus strand (AAGT on the coding strand, the reverse complement: COL4A1 is on the minus strand); deleting any 4 consecutive bases within chr13:110,205,488-110,205,493 gives the same sequence; the c. name uses the placement nearest the transcript's 3' end. VCF-style (leftmost placement, unchanged base first): chr13-110205487-CACTT-C. GRCh37 (hg19) VCF-style: chr13-110857834-CACTT-C.
Other names: c.903+3_903+6del (NM_001303110.2).
Identifiers: ClinVar variation 3066314 (VCV003066314.1), dbSNP rs2501579949, ClinGen allele CA2740098033.

ClinVar aggregate classification (germline): Uncertain significance (1 of 4 stars; one submission).

Conditions:
Autosomal dominant familial hematuria-retinal arteriolar tortuosity-contractures syndrome. Also called: Angiopathy, hereditary, with nephropathy, aneurysms, and muscle cramps; Hereditary Angiopathy with Nephropathy, Aneurysms, and Muscle Cramps (HANAC) Syndrome. Identifiers: Orphanet 73229, MedGen C2673195, MONDO:0012726, OMIM 611773.

Submission:

MVZ Medizinische Genetik Mainz
Classification: Uncertain significance for Autosomal dominant familial hematuria-retinal arteriolar tortuosity-contractures syndrome. Last evaluated: 2022-07-20. Review status: criteria provided, single submitter. Criteria: UK Practice Guidelines For Variant Classification V4 01 2020. Collection method: clinical testing. Allele origin: germline. Inheritance: Autosomal dominant inheritance. Affected: yes. Observed: 1 variant allele.
Comment: ACMG Criteria: PM2_SUP, PP3 (ACMG Version 4)